The following is an entry in ClinVar:

NM_001166108.2(PALLD):c.2274A>C (p.Glu758Asp)

Genes: CBR4 (carbonyl reductase 4; minus strand), PALLD (palladin, cytoskeletal associated protein; plus strand). Cytogenetic location: 4q32.3.
Variant type: single nucleotide variant.
Coding change: c.2274A>C on transcript NM_001166108.2 (MANE Select); coding-DNA position 2274, A replaced by C.
Protein change: p.Glu758Asp; replaces glutamic acid 758 with aspartic acid.
Molecular consequence: missense variant.
Genome position (GRCh38, 1-based): chr4:168,898,516, A>C. VCF-style: chr4-168898516-A-C. GRCh37 (hg19) VCF-style: chr4-169819667-A-C.
Other names: c.1077A>C, p.Glu359Asp (NM_001166109.2); c.762A>C, p.Glu254Asp (NM_001166110.2); c.102A>C, p.Glu34Asp (NM_001367567.1, NM_001367569.1); c.153A>C, p.Glu51Asp (NM_001367568.1, NM_001367570.1); c.2223A>C, p.Glu741Asp (NM_016081.4); short protein forms E741D, E359D, E758D, E34D, E254D, E51D.
Identifiers: ClinVar variation 2448502 (VCV002448502.2), dbSNP rs2533730908, ClinGen allele CA358798598.

ClinVar aggregate classification (germline): Uncertain significance (1 of 4 stars; one submission).

Submission:

Ambry Genetics
Classification: Uncertain significance. Last evaluated: 2023-02-23. Review status: criteria provided, single submitter. Criteria: Ambry Variant Classification Scheme 2023. Collection method: clinical testing. Allele origin: germline.
Comment: The p.E741D variant (also known as c.2223A>C), located in coding exon 12 of the PALLD gene, results from an A to C substitution at nucleotide position 2223. The glutamic acid at codon 741 is replaced by aspartic acid, an amino acid with highly similar properties. This amino acid position is conserved. In addition, the in silico prediction for this alteration is inconclusive. Since supporting evidence is limited at this time, the clinical significance of this alteration remains unclear.